The following is an entry in ClinVar:

ClinVar aggregate classification (germline): Uncertain significance. Review status: criteria provided, multiple submitters, no conflicts (2 of 4 stars). 2 submissions from 2 submitters: Uncertain significance (2). Last evaluated 2024-12-03.

Conditions:
Pancreatic adenocarcinoma. Identifiers: MedGen C0281361, MONDO:0006047, HP:0006725.

Allele frequency attached by ClinVar (database versions not stated): ExAC 0.00002; TOPMed 0.00002; gnomAD exomes 0.00003; gnomAD 0.00004.
gnomAD v4.1: 31 of 1,613,954 alleles (0.0019%); highest among the groups gnomAD compares: African/African-American, 0.004%; no homozygotes.

Submissions (2):

Labcorp Genetics (formerly Invitae), Labcorp
Classification: Uncertain significance for Pancreatic adenocarcinoma. Last evaluated: 2024-12-03. Review status: criteria provided, single submitter. Criteria: Invitae Variant Classification Sherloc (09022015). Collection method: clinical testing. Allele origin: germline.
Comment: This sequence change replaces glycine, which is neutral and non-polar, with glutamic acid, which is acidic and polar, at codon 586 of the PALLD protein (p.Gly586Glu). This variant is present in population databases (rs587780756, gnomAD 0.007%). This variant has not been reported in the literature in individuals affected with PALLD-related conditions. ClinVar contains an entry for this variant (Variation ID: 135999). An algorithm developed to predict the effect of missense changes on protein structure and function (PolyPhen-2) suggests that this variant is likely to be disruptive. In summary, the available evidence is currently insufficient to determine the role of this variant in disease. Therefore, it has been classified as a Variant of Uncertain Significance.

Ambry Genetics
Classification: Uncertain significance. Last evaluated: 2022-12-05. Review status: criteria provided, single submitter. Criteria: Ambry Variant Classification Scheme 2023. Collection method: clinical testing. Allele origin: germline.
Comment: The p.G1073E variant (also known as c.3218G>A), located in coding exon 18 of the PALLD gene, results from a G to A substitution at nucleotide position 3218. The glycine at codon 1073 is replaced by glutamic acid, an amino acid with similar properties. This amino acid position is conserved. In addition, the in silico prediction for this alteration is inconclusive. Since supporting evidence is limited at this time, the clinical significance of this alteration remains unclear.

NM_001166108.2(PALLD):c.3269G>A (p.Gly1090Glu)

Genes: CBR4 (carbonyl reductase 4; minus strand), PALLD (palladin, cytoskeletal associated protein; plus strand). Cytogenetic location: 4q32.3.
Variant type: single nucleotide variant.
Coding change: c.3269G>A on transcript NM_001166108.2 (MANE Select); coding-DNA position 3269, G replaced by A.
Protein change: p.Gly1090Glu; replaces glycine 1090 with glutamic acid.
Molecular consequence: missense variant.
Genome position (GRCh38, 1-based): chr4:168,924,989, G>A. VCF-style: chr4-168924989-G-A. GRCh37 (hg19) VCF-style: chr4-169846140-G-A.
Other names: c.2072G>A, p.Gly691Glu (NM_001166109.2); c.1757G>A, p.Gly586Glu (NM_001166110.2); c.1097G>A, p.Gly366Glu (NM_001367567.1, NM_001367569.1); c.1148G>A, p.Gly383Glu (NM_001367568.1, NM_001367570.1); c.3218G>A, p.Gly1073Glu (NM_016081.4); c.3218G>A (NM_016081.3); short protein forms G1073E, G586E, G366E, G691E, G383E, G1090E.
Identifiers: ClinVar variation 135999 (VCV000135999.8), dbSNP rs587780756, ClinGen allele CA332728.